The following is an entry in ClinVar:

NM_000312.4(PROC):c.1240T>C (p.Trp414Arg)

Gene: PROC (protein C, inactivator of coagulation factors Va and VIIIa; plus strand). Cytogenetic location: 2q14.3.
Variant type: single nucleotide variant.
Coding change: c.1240T>C on transcript NM_000312.4 (MANE Select); coding-DNA position 1240, T replaced by C.
Protein change: p.Trp414Arg; replaces tryptophan 414 with arginine.
Molecular consequence: missense variant.
Genome position (GRCh38, 1-based): chr2:127,428,800, T>C. VCF-style: chr2-127428800-T-C. GRCh37 (hg19) VCF-style: chr2-128186376-T-C.
Other names: c.1423T>C, p.Trp475Arg (NM_001375602.1); c.1405T>C, p.Trp469Arg (NM_001375603.1); c.1303T>C, p.Trp435Arg (NM_001375604.1); c.1342T>C, p.Trp448Arg (NM_001375605.1); c.1408T>C, p.Trp470Arg (NM_001375606.1); c.1426T>C, p.Trp476Arg (NM_001375607.1); c.1183T>C, p.Trp395Arg (NM_001375608.1); c.1216T>C, p.Trp406Arg (NM_001375609.1); and 2 more; short protein forms W395R, W406R, W412R, W414R, W435R, W448R, W469R, W470R.
Identifiers: ClinVar variation 1703785 (VCV001703785.4), dbSNP rs2468379693, ClinGen allele CA348406401.
Genomic context (GRCh38, chr2:127,428,800, plus strand): 5'-CGGCAGGATGCCTGCGAGGGCGACAGTGGGGGGCCCATGGTCGCCTCCTTCCACGGCACC[T>C]GGTTCCTGGTGGGCCTGGTGAGCTGGGGTGAGGGCTGTGGGCTCCTTCACAACTACGGCG-3'
Protein context (NP_000303.1, residues 404-424): GPMVASFHGT[Trp414Arg]FLVGLVSWGE

ClinVar aggregate classification (germline): Uncertain significance. Review status: criteria provided, multiple submitters, no conflicts (2 of 4 stars). 2 submissions from 2 submitters: Uncertain significance (2). Last evaluated 2021-11-09.

Conditions:
Inborn genetic diseases. Identifiers: MedGen C0950123, MeSH D030342.
Thrombophilia due to protein C deficiency, autosomal dominant. Also called: PROC DEFICIENCY, AUTOSOMAL DOMINANT; PROTEIN C DEFICIENCY, AUTOSOMAL DOMINANT. Identifiers: Orphanet 745, MedGen C2674321, MONDO:0008316, OMIM 176860. Disease mechanism: loss of function.

Allele frequency attached by ClinVar (database versions not stated): gnomAD exomes below 0.00001.
gnomAD v4.1: 1 of 1,612,174 alleles (0.000062%); highest among the groups gnomAD compares: Non-Finnish European, 0.000085%; no homozygotes.

Submissions (2):

Ambry Genetics
Classification: Uncertain significance for Inborn genetic diseases. Last evaluated: 2021-11-09. Review status: criteria provided, single submitter. Criteria: Ambry Variant Classification Scheme 2023. Collection method: clinical testing. Allele origin: germline.

ISTH-SSC Genomics in Thrombosis and Hemostasis, KU Leuven, Center for Molecular and Vascular Biology
Classification: Uncertain significance for Thrombophilia due to protein C deficiency, autosomal dominant. Review status: criteria provided, single submitter. Criteria: ACMG Guidelines, 2015. Collection method: clinical testing. Allele origin: germline. Affected: yes. Observed: 1 heterozygote.
Comment: Submitted to GoldVariant by Kathleen Freson, Center for Molecular and Vascular Biology, Leuven, Belgium